The following is an entry in ClinVar:

ClinVar aggregate classification (germline): Uncertain significance. Review status: criteria provided, multiple submitters, no conflicts (2 of 4 stars). 2 submissions from 2 submitters: Uncertain significance (2). Last evaluated 2025-10-02.

Allele frequency attached by ClinVar (database versions not stated): ExAC 0.00002; gnomAD exomes 0.00003 and 0.00004; gnomAD 0.00005.
gnomAD v4.1: 73 of 1,613,890 alleles (0.0045%); highest among the groups gnomAD compares: Admixed American, 0.005%; no homozygotes.

Submissions (2):

Labcorp Genetics (formerly Invitae), Labcorp
Classification: Uncertain significance. Last evaluated: 2025-10-02. Review status: criteria provided, single submitter. Criteria: Invitae Variant Classification Sherloc (09022015). Collection method: clinical testing. Allele origin: germline.
Comment: This sequence change replaces arginine, which is basic and polar, with cysteine, which is neutral and slightly polar, at codon 447 of the LAMC3 protein (p.Arg447Cys). This variant is present in population databases (rs777086759, gnomAD 0.01%). This variant has not been reported in the literature in individuals affected with LAMC3-related conditions. ClinVar contains an entry for this variant (Variation ID: 1327352). An algorithm developed to predict the effect of missense changes on protein structure and function (PolyPhen-2) suggests that this variant is likely to be disruptive. In summary, the available evidence is currently insufficient to determine the role of this variant in disease. Therefore, it has been classified as a Variant of Uncertain Significance.

GeneDx
Classification: Uncertain significance. Last evaluated: 2021-12-03. Review status: criteria provided, single submitter. Criteria: GeneDx Variant Classification Process June 2021. Collection method: clinical testing. Allele origin: germline. Affected: yes.
Comment: Not observed at significant frequency in large population cohorts (Lek et al., 2016); In silico analysis supports that this missense variant has a deleterious effect on protein structure/function; Has not been previously published as pathogenic or benign to our knowledge

NM_006059.4(LAMC3):c.1339C>T (p.Arg447Cys)

Gene: LAMC3 (laminin subunit gamma 3; plus strand). Cytogenetic location: 9q34.12.
Variant type: single nucleotide variant.
Coding change: c.1339C>T on transcript NM_006059.4 (MANE Select); coding-DNA position 1339, C replaced by T.
Protein change: p.Arg447Cys; replaces arginine 447 with cysteine.
Molecular consequence: missense variant.
Genome position (GRCh38, 1-based): chr9:131,041,692, C>T. VCF-style: chr9-131041692-C-T. GRCh37 (hg19) VCF-style: chr9-133917079-C-T.
Other names: short protein forms R447C.
Identifiers: ClinVar variation 1327352 (VCV001327352.5), dbSNP rs777086759, ClinGen allele CA5287047.